The following is an entry in ClinVar:

ClinVar aggregate classification (germline): Uncertain significance (1 of 4 stars; one submission).

Conditions:
Hepatic methionine adenosyltransferase deficiency. Also called: Isolated Persistent Hypermethioninemia; Deficiency of methionine adenosyltransferase; Methionine adenosyltransferase deficiency; MAT I/III DEFICIENCY. Identifiers: Orphanet 168598, MedGen C0268621, MeSH C564683, MONDO:0009607, OMIM 250850.

Allele frequency attached by ClinVar (database versions not stated): gnomAD 0.00001; gnomAD exomes 0.00002; TOPMed 0.00002.
gnomAD v4.1: 28 of 1,613,984 alleles (0.0017%); highest among the groups gnomAD compares: Non-Finnish European, 0.0024%; no homozygotes.

Submission:

Labcorp Genetics (formerly Invitae), Labcorp
Classification: Uncertain significance for Hepatic methionine adenosyltransferase deficiency. Last evaluated: 2022-11-15. Review status: criteria provided, single submitter. Criteria: Invitae Variant Classification Sherloc (09022015). Collection method: clinical testing. Allele origin: germline.
Comment: This variant has not been reported in the literature in individuals affected with MAT1A-related conditions. Advanced modeling of protein sequence and biophysical properties (such as structural, functional, and spatial information, amino acid conservation, physicochemical variation, residue mobility, and thermodynamic stability) performed at Invitae indicates that this missense variant is not expected to disrupt MAT1A protein function. In summary, the available evidence is currently insufficient to determine the role of this variant in disease. Therefore, it has been classified as a Variant of Uncertain Significance. This variant is present in population databases (no rsID available, gnomAD 0.002%). This sequence change replaces proline, which is neutral and non-polar, with leucine, which is neutral and non-polar, at codon 174 of the MAT1A protein (p.Pro174Leu).

NM_000429.3(MAT1A):c.521C>T (p.Pro174Leu)

Gene: MAT1A (methionine adenosyltransferase 1A; minus strand). Cytogenetic location: 10q22.3.
Variant type: single nucleotide variant.
Coding change: c.521C>T on transcript NM_000429.3 (MANE Select); coding-DNA position 521, C replaced by T.
Protein change: p.Pro174Leu; replaces proline 174 with leucine.
Molecular consequence: missense variant.
Genome position (GRCh38, 1-based): chr10:80,280,201, G>A on the plus strand (C>T on the coding strand, the complement: MAT1A is on the minus strand). VCF-style: chr10-80280201-G-A. GRCh37 (hg19) VCF-style: chr10-82039957-G-A.
Other names: short protein forms P174L.
Identifiers: ClinVar variation 1935276 (VCV001935276.5), dbSNP rs1053330044, ClinGen allele CA210326850.